The following is an entry in ClinVar:

ClinVar aggregate classification (germline): Pathogenic/Likely pathogenic. Review status: criteria provided, multiple submitters, no conflicts (2 of 4 stars). 2 submissions from 2 submitters: Pathogenic (1); Likely pathogenic (1). Last evaluated 2022-07-12.

Conditions:
Familial steroid-resistant nephrotic syndrome with sensorineural deafness. Identifiers: Orphanet 280406, MedGen C3553349, MONDO:0013836, OMIM 614650.

Allele frequency attached by ClinVar (database versions not stated): gnomAD 0.00001.
gnomAD v4.1: 57 of 1,614,078 alleles (0.0035%); highest among the groups gnomAD compares: South Asian, 0.055%; no homozygotes.

Submissions (2):

Labcorp Genetics (formerly Invitae), Labcorp
Classification: Pathogenic. Last evaluated: 2022-07-12. Review status: criteria provided, single submitter. Criteria: Invitae Variant Classification Sherloc (09022015). Collection method: clinical testing. Allele origin: germline.
Comment: For these reasons, this variant has been classified as Pathogenic. Algorithms developed to predict the effect of sequence changes on RNA splicing suggest that this variant may create or strengthen a splice site. ClinVar contains an entry for this variant (Variation ID: 1324160). This variant has not been reported in the literature in individuals affected with COQ6-related conditions. This variant is present in population databases (rs559873718, gnomAD 0.05%). This sequence change creates a premature translational stop signal (p.Arg343*) in the COQ6 gene. It is expected to result in an absent or disrupted protein product. Loss-of-function variants in COQ6 are known to be pathogenic (PMID: 21540551, 24140869).

Revvity Omics, Revvity
Classification: Likely pathogenic for Familial steroid-resistant nephrotic syndrome with sensorineural deafness. Last evaluated: 2019-07-31. Review status: criteria provided, single submitter. Criteria: ACMG Guidelines, 2015. Collection method: clinical testing. Allele origin: germline.

Literature cited by the submitters: PubMed 21540551 (cited by Labcorp Genetics (formerly Invitae), Labcorp); PubMed 24140869 (cited by Labcorp Genetics (formerly Invitae), Labcorp).

NM_182476.3(COQ6):c.1027C>T (p.Arg343Ter)

Genes: ENTPD5 (ectonucleoside triphosphate diphosphohydrolase 5; minus strand), COQ6 (coenzyme Q6, monooxygenase; plus strand). Cytogenetic location: 14q24.3.
Variant type: single nucleotide variant.
Coding change: c.1027C>T on transcript NM_182476.3 (MANE Select); coding-DNA position 1027, C replaced by T.
Protein change: p.Arg343Ter; replaces arginine 343 with a stop codon.
Molecular consequence: nonsense. On other transcripts: 3 prime UTR variant (1), intron variant (5).
Genome position (GRCh38, 1-based): chr14:73,961,308, C>T. VCF-style: chr14-73961308-C-T. GRCh37 (hg19) VCF-style: chr14-74428011-C-T.
Other names: c.1027C>T, p.Arg343Ter (NM_001425255.1); c.919C>T, p.Arg307Ter (NM_001425256.1); c.862C>T, p.Arg288Ter (NM_001425257.1); c.844C>T, p.Arg282Ter (NM_001425258.1); c.802C>T, p.Arg268Ter (NM_001425259.1, NM_001425260.1, NM_001425261.1); c.772C>T, p.Arg258Ter (NM_001425262.1); c.700C>T, p.Arg234Ter (NM_001425263.1); c.487C>T, p.Arg163Ter (NM_001425264.1, NM_001425265.1); and 5 more; short protein forms R318*, R343*.
Identifiers: ClinVar variation 1324160 (VCV001324160.10), dbSNP rs559873718, ClinGen allele CA7264414.